The following is an entry in ClinVar:

ClinVar aggregate classification (germline): Uncertain significance. Review status: criteria provided, multiple submitters, no conflicts (2 of 4 stars). 2 submissions from 2 submitters: Uncertain significance (2). Last evaluated 2025-06-06.

Conditions:
Legius syndrome. Identifiers: Orphanet 137605, MedGen C1969623, MONDO:0012669, OMIM 611431. Disease mechanism: loss of function.

Allele frequency attached by ClinVar (database versions not stated): gnomAD exomes below 0.00001; TOPMed below 0.00001; gnomAD 0.00001; 1000 Genomes Project 30x 0.00016.
gnomAD v4.1: 19 of 1,613,442 alleles (0.0012%); highest among the groups gnomAD compares: Admixed American, 0.0017%; no homozygotes.

Submissions (2):

Labcorp Genetics (formerly Invitae), Labcorp
Classification: Uncertain significance for Legius syndrome. Last evaluated: 2025-06-06. Review status: criteria provided, single submitter. Criteria: Invitae Variant Classification Sherloc (09022015). Collection method: clinical testing. Allele origin: germline.
Comment: This sequence change replaces isoleucine, which is neutral and non-polar, with valine, which is neutral and non-polar, at codon 234 of the SPRED1 protein (p.Ile234Val). The frequency data for this variant in the population databases is considered unreliable, as metrics indicate poor data quality at this position in the gnomAD database. This variant has not been reported in the literature in individuals affected with SPRED1-related conditions. ClinVar contains an entry for this variant (Variation ID: 1446593). Invitae Evidence Modeling of protein sequence and biophysical properties (such as structural, functional, and spatial information, amino acid conservation, physicochemical variation, residue mobility, and thermodynamic stability) indicates that this missense variant is not expected to disrupt SPRED1 protein function with a negative predictive value of 80%. In summary, the available evidence is currently insufficient to determine the role of this variant in disease. Therefore, it has been classified as a Variant of Uncertain Significance.

GeneDx
Classification: Uncertain significance. Last evaluated: 2023-04-14. Review status: criteria provided, single submitter. Criteria: GeneDx Variant Classification Process June 2021. Collection method: clinical testing. Allele origin: germline. Affected: yes.
Comment: In silico analysis supports that this missense variant does not alter protein structure/function; Has not been previously published as pathogenic or benign to our knowledge

NM_152594.3(SPRED1):c.700A>G (p.Ile234Val)

Gene: SPRED1 (sprouty related EVH1 domain containing 1; plus strand). Cytogenetic location: 15q14.
Variant type: single nucleotide variant.
Coding change: c.700A>G on transcript NM_152594.3 (MANE Select); coding-DNA position 700, A replaced by G.
Protein change: p.Ile234Val; replaces isoleucine 234 with valine.
Molecular consequence: missense variant.
Genome position (GRCh38, 1-based): chr15:38,351,029, A>G. VCF-style: chr15-38351029-A-G. GRCh37 (hg19) VCF-style: chr15-38643230-A-G.
Other names: c.700A>G (NM_152594.2); short protein forms I234V.
Identifiers: ClinVar variation 1446593 (VCV001446593.9), dbSNP rs1199792537, ClinGen allele CA391933040.